The following is an entry in ClinVar:

ClinVar aggregate classification (germline): Conflicting classifications of pathogenicity. Review status: criteria provided, conflicting classifications (1 of 4 stars). 3 submissions from 3 submitters: Likely pathogenic (1); Uncertain significance (2). Last evaluated 2025-02-27.

Conditions:
Holoprosencephaly 3 (HPE3). Identifiers: Orphanet 2162, MedGen C1840529, MONDO:0007733, OMIM 142945.

gnomAD v4.1: 2 of 1,520,024 alleles (0.00013%); no homozygotes.

Submissions (3):

Laboratory of Molecular Genetics, CHU Rennes
Classification: Likely pathogenic for Holoprosencephaly 3. Last evaluated: 2025-02-27. Review status: criteria provided, single submitter. Criteria: ACMG Guidelines, 2015. Collection method: clinical testing. Allele origin: de novo. Inheritance: Autosomal dominant inheritance. Affected: yes.
Comment: The NM_000193.4:c.1055G>A, is a missense variant in SHH in the Hint domain (PM1), absent from controls (PM2), predicted pathogenic by prediction tools (PP3), and occurred de novo (PS2). ). In summary, this variant meets criteria to be classified as likely pathogenic for holoprosencephaly based on the ACMG criteria applied.

GeneDx
Classification: Uncertain significance. Last evaluated: 2023-04-03. Review status: criteria provided, single submitter. Criteria: GeneDx Variant Classification Process June 2021. Collection method: clinical testing. Allele origin: germline. Affected: yes.
Comment: Not observed at significant frequency in large population cohorts (gnomAD); In silico analysis supports that this missense variant has a deleterious effect on protein structure/function; Has not been previously published as pathogenic or benign to our knowledge

Blueprint Genetics
Classification: Uncertain significance. Last evaluated: 2023-02-03. Review status: criteria provided, single submitter. Criteria: ACMG Guidelines, 2015. Collection method: clinical testing. Allele origin: germline.

NM_000193.4(SHH):c.1055G>A (p.Gly352Asp)

Gene: SHH (sonic hedgehog signaling molecule; minus strand). Cytogenetic location: 7q36.3.
Variant type: single nucleotide variant.
Coding change: c.1055G>A on transcript NM_000193.4 (MANE Select); coding-DNA position 1055, G replaced by A.
Protein change: p.Gly352Asp; replaces glycine 352 with aspartic acid.
Molecular consequence: missense variant. On other transcripts: intron variant (1).
Genome position (GRCh38, 1-based): chr7:155,803,234, C>T on the plus strand (G>A on the coding strand, the complement: SHH is on the minus strand). VCF-style: chr7-155803234-C-T. GRCh37 (hg19) VCF-style: chr7-155595928-C-T.
Other names: c.302-2989G>A (NM_001310462.2); short protein forms G352D.
Identifiers: ClinVar variation 2497869 (VCV002497869.3), dbSNP rs2535892639, ClinGen allele CA370145273.